The following is an entry in ClinVar:

NM_021629.4(GNB4):c.958G>T (p.Val320Leu)

Gene: GNB4 (G protein subunit beta 4; minus strand). Cytogenetic location: 3q26.33.
Variant type: single nucleotide variant.
Coding change: c.958G>T on transcript NM_021629.4 (MANE Select); coding-DNA position 958, G replaced by T.
Protein change: p.Val320Leu; replaces valine 320 with leucine.
Molecular consequence: missense variant.
Genome position (GRCh38, 1-based): chr3:179,401,278, C>A on the plus strand (G>T on the coding strand, the complement: GNB4 is on the minus strand). VCF-style: chr3-179401278-C-A. GRCh37 (hg19) VCF-style: chr3-179119066-C-A.
Other names: short protein forms V320L.
Identifiers: ClinVar variation 2078424 (VCV002078424.4), dbSNP rs61750380, ClinGen allele CA355293267.

ClinVar aggregate classification (germline): Uncertain significance (1 of 4 stars; one submission).

Conditions:
Charcot-Marie-Tooth disease dominant intermediate F. Identifiers: Orphanet 352670, MedGen C4749463, MONDO:0014074, OMIM 615185.

Submission:

Labcorp Genetics (formerly Invitae), Labcorp
Classification: Uncertain significance for Charcot-Marie-Tooth disease dominant intermediate F. Last evaluated: 2022-01-19. Review status: criteria provided, single submitter. Criteria: Invitae Variant Classification Sherloc (09022015). Collection method: clinical testing. Allele origin: germline.
Comment: This sequence change replaces valine, which is neutral and non-polar, with leucine, which is neutral and non-polar, at codon 320 of the GNB4 protein (p.Val320Leu). This variant is not present in population databases (gnomAD no frequency). This variant has not been reported in the literature in individuals affected with GNB4-related conditions. Algorithms developed to predict the effect of missense changes on protein structure and function (SIFT, PolyPhen-2, Align-GVGD) all suggest that this variant is likely to be tolerated. In summary, the available evidence is currently insufficient to determine the role of this variant in disease. Therefore, it has been classified as a Variant of Uncertain Significance.